The following is an entry in ClinVar:

ClinVar aggregate classification (germline): Pathogenic. Review status: criteria provided, single submitter (1 of 4 stars). 5 submissions from 5 submitters: Pathogenic (1). 4 of the submissions do not count toward it. Last evaluated 2023-03-08.

Submissions (5):

Labcorp Genetics (formerly Invitae), Labcorp
Classification: Pathogenic. Last evaluated: 2023-03-08. Review status: criteria provided, single submitter. Criteria: Invitae Variant Classification Sherloc (09022015). Collection method: clinical testing. Allele origin: germline.
Comment: ClinVar contains an entry for this variant (Variation ID: 99696). For these reasons, this variant has been classified as Pathogenic. Algorithms developed to predict the effect of sequence changes on RNA splicing suggest that this variant may create or strengthen a splice site. Experimental studies have shown that this missense change affects BEST1 function (PMID: 21878505). Advanced modeling of protein sequence and biophysical properties (such as structural, functional, and spatial information, amino acid conservation, physicochemical variation, residue mobility, and thermodynamic stability) performed at Invitae indicates that this missense variant is expected to disrupt BEST1 protein function. This missense change has been observed in individuals with autosomal dominant Best macular dystrophy (PMID: 10394929, 19357557, 20375334). This variant is not present in population databases (gnomAD no frequency). This sequence change replaces leucine, which is neutral and non-polar, with valine, which is neutral and non-polar, at codon 82 of the BEST1 protein (p.Leu82Val).

Clinical Genetics DNA and cytogenetics Diagnostics Lab, Erasmus MC, Erasmus Medical Center
Classification: Pathogenic. Review status: no assertion criteria provided. Collection method: clinical testing. Allele origin: germline. Affected: yes. Study: VKGL Data-share Consensus. Not counted in ClinVar's aggregate classification.

Clinical Genetics, Academic Medical Center
Classification: Pathogenic. Review status: no assertion criteria provided. Collection method: clinical testing. Allele origin: germline. Affected: yes. Study: VKGL Data-share Consensus. Not counted in ClinVar's aggregate classification.

Joint Genome Diagnostic Labs from Nijmegen and Maastricht, Radboudumc and MUMC+
Classification: Likely pathogenic. Review status: no assertion criteria provided. Collection method: clinical testing. Allele origin: germline. Affected: yes. Study: VKGL Data-share Consensus. Not counted in ClinVar's aggregate classification.

Retina International
No classification provided. Review status: no classification provided. Collection method: not provided. Allele origin: not provided. Not counted in ClinVar's aggregate classification.

Literature cited by the submitters: PubMed 21878505 (cited by Labcorp Genetics (formerly Invitae), Labcorp); PubMed 10394929 (cited by Labcorp Genetics (formerly Invitae), Labcorp); PubMed 19357557 (cited by Labcorp Genetics (formerly Invitae), Labcorp); PubMed 20375334 (cited by Labcorp Genetics (formerly Invitae), Labcorp).

NM_004183.4(BEST1):c.244C>G (p.Leu82Val)

Gene: BEST1 (bestrophin 1; plus strand). Cytogenetic location: 11q12.3.
Variant type: single nucleotide variant.
Coding change: c.244C>G on transcript NM_004183.4 (MANE Select); coding-DNA position 244, C replaced by G.
Protein change: p.Leu82Val; replaces leucine 82 with valine.
Molecular consequence: missense variant. On other transcripts: non-coding transcript variant (1).
Genome position (GRCh38, 1-based): chr11:61,955,198, C>G. VCF-style: chr11-61955198-C-G. GRCh37 (hg19) VCF-style: chr11-61722670-C-G.
Other names: c.64C>G, p.Leu22Val (NM_001139443.3, NM_001300786.2, NM_001300787.2); c.244C>G, p.Leu82Val (NM_001363592.2); short protein forms L82V, L22V.
Identifiers: ClinVar variation 99696 (VCV000099696.10), dbSNP rs281865530, ClinGen allele CA227746.